The following is an entry in ClinVar:

NM_004369.4(COL6A3):c.7254C>A (p.Phe2418Leu)

Gene: COL6A3 (collagen type VI alpha 3 chain; minus strand). Cytogenetic location: 2q37.3.
Variant type: single nucleotide variant.
Coding change: c.7254C>A on transcript NM_004369.4 (MANE Select); coding-DNA position 7254, C replaced by A.
Protein change: p.Phe2418Leu; replaces phenylalanine 2418 with leucine.
Molecular consequence: missense variant.
Genome position (GRCh38, 1-based): chr2:237,344,764, G>T on the plus strand (C>A on the coding strand, the complement: COL6A3 is on the minus strand). VCF-style: chr2-237344764-G-T. GRCh37 (hg19) VCF-style: chr2-238253407-G-T.
Other names: c.5433C>A, p.Phe1811Leu (NM_057166.5); c.6636C>A, p.Phe2212Leu (NM_057167.4); short protein forms F2418L, F2212L, F1811L.
Identifiers: ClinVar variation 1514970 (VCV001514970.8), dbSNP rs768794876, ClinGen allele CA351204248.

ClinVar aggregate classification (germline): Uncertain significance (1 of 4 stars; one submission).

Conditions:
Bethlem myopathy 1A. Also called: MYOPATHY, BENIGN CONGENITAL, WITH CONTRACTURES; Bethlem myopathy 1; Bethlem Muscular Dystrophy. Identifiers: Orphanet 610, MedGen CN029274, MONDO:0024530, OMIM 158810.

gnomAD v4.1: 2 of 1,602,018 alleles (0.00012%); highest among the groups gnomAD compares: Non-Finnish European, 0.00017%; no homozygotes.

Submission:

Labcorp Genetics (formerly Invitae), Labcorp
Classification: Uncertain significance for Bethlem myopathy 1A. Last evaluated: 2025-12-24. Review status: criteria provided, single submitter. Criteria: Invitae Variant Classification Sherloc (09022015). Collection method: clinical testing. Allele origin: germline.
Comment: This sequence change replaces phenylalanine, which is neutral and non-polar, with leucine, which is neutral and non-polar, at codon 2418 of the COL6A3 protein (p.Phe2418Leu). This variant is not present in population databases (gnomAD no frequency). This variant has not been reported in the literature in individuals affected with COL6A3-related conditions. ClinVar contains an entry for this variant (Variation ID: 1514970). Invitae Evidence Modeling of protein sequence and biophysical properties (such as structural, functional, and spatial information, amino acid conservation, physicochemical variation, residue mobility, and thermodynamic stability) indicates that this missense variant is not expected to disrupt COL6A3 protein function with a negative predictive value of 80%. In summary, the available evidence is currently insufficient to determine the role of this variant in disease. Therefore, it has been classified as a Variant of Uncertain Significance.